The following is an entry in ClinVar:

ClinVar aggregate classification (germline): Uncertain significance (1 of 4 stars; one submission).

Conditions:
Hereditary cancer-predisposing syndrome. Also called: Neoplastic Syndromes, Hereditary; Tumor predisposition; Hereditary Cancer Syndrome; Hereditary neoplastic syndrome. Identifiers: Orphanet 140162, MedGen C0027672, MeSH D009386, MONDO:0015356.

Submission:

Ambry Genetics
Classification: Uncertain significance for Hereditary cancer-predisposing syndrome. Last evaluated: 2025-09-19. Review status: criteria provided, single submitter. Criteria: Ambry Variant Classification Scheme 2023. Collection method: clinical testing. Allele origin: germline.
Comment: The p.N285H variant (also known as c.853A>C), located in coding exon 6 of the DICER1 gene, results from an A to C substitution at nucleotide position 853. The asparagine at codon 285 is replaced by histidine, an amino acid with similar properties. This amino acid position is conserved. In addition, this alteration is predicted to be tolerated by in silico analysis. Based on the available evidence, the clinical significance of this variant remains unclear.

NM_177438.3(DICER1):c.853A>C (p.Asn285His)

Gene: DICER1 (dicer 1, ribonuclease III; minus strand). Cytogenetic location: 14q32.13.
Variant type: single nucleotide variant.
Coding change: c.853A>C on transcript NM_177438.3 (MANE Select); coding-DNA position 853, A replaced by C.
Protein change: p.Asn285His; replaces asparagine 285 with histidine.
Molecular consequence: missense variant. On other transcripts: 5 prime UTR variant (1), non-coding transcript variant (6).
Genome position (GRCh38, 1-based): chr14:95,126,630, T>G on the plus strand (A>C on the coding strand, the complement: DICER1 is on the minus strand). VCF-style: chr14-95126630-T-G. GRCh37 (hg19) VCF-style: chr14-95592967-T-G.
Other names: c.853A>C, p.Asn285His (NM_001195573.1, NM_001271282.3, NM_001291628.2 and 14 more transcripts); c.571A>C, p.Asn191His (NM_001395686.1); c.448A>C, p.Asn150His (NM_001395687.1, NM_001395688.1, NM_001395689.1 and 3 more transcripts); c.286A>C, p.Asn96His (NM_001395691.1); c.-716A>C (NM_001395697.1); short protein forms N150H, N96H, N191H, N285H.
Identifiers: ClinVar variation 4636833 (VCV004636833.1).